The following is an entry in ClinVar:

NM_000169.3(GLA):c.946_947insACGACACATCAGCCCTCAAGCCAAAGCTCTCCTTCAGGATAAGGACG (p.Val316fs)

Genes: GLA (galactosidase alpha; minus strand), RPL36A-HNRNPH2 (RPL36A-HNRNPH2 readthrough; plus strand). Cytogenetic location: Xq22.1.
Variant type: Insertion.
Coding change: c.946_947insACGACACATCAGCCCTCAAGCCAAAGCTCTCCTTCAGGATAAGGACG on transcript NM_000169.3 (MANE Select); coding-DNA positions 946 to 947, ACGACACATCAGCCCTCAAGCCAAAGCTCTCCTTCAGGATAAGGACG inserted.
Protein change: p.Val316fs; shifts the reading frame from valine 316.
Molecular consequence: frameshift variant. On other transcripts: non-coding transcript variant (3), intron variant (2).
Genome position: GRCh38: chrX:101,398,468-101,398,469. GRCh37 (hg19): chrX:100,653,456-100,653,457.
Other names: c.1069_1070insACGACACATCAGCCCTCAAGCCAAAGCTCTCCTTCAGGATAAGGACG, p.Val357fs (NM_001406747.1); c.946_947insACGACACATCAGCCCTCAAGCCAAAGCTCTCCTTCAGGATAAGGACG, p.Val316fs (NM_001406748.1); c.300+3011_300+3012insTCGTCCTTATCCTGAAGGAGAGCTTTGGCTTGAGGGCTGATGTGTCG (NM_001199973.2); c.177+6646_177+6647insTCGTCCTTATCCTGAAGGAGAGCTTTGGCTTGAGGGCTGATGTGTCG (NM_001199974.2); short protein forms V316fs, V357fs.
Identifiers: ClinVar variation 1308629 (VCV001308629.1), dbSNP rs2147471979, ClinGen allele CA2573055052.

ClinVar aggregate classification (germline): Pathogenic (1 of 4 stars; one submission).

Conditions:
Fabry disease. Also called: Fabry's disease; Ceramide trihexosidosis; Angiokeratoma corporis diffusum; ALPHA-GALACTOSIDASE A DEFICIENCY; ANDERSON-FABRY DISEASE; CERAMIDE TRIHEXOSIDASE DEFICIENCY. Identifiers: Orphanet 324, MedGen C0002986, MONDO:0010526, OMIM 301500, HP:0001071. Disease mechanism: Fabry disease is due to inactivating mutations in the X-linked GLA gene resulting in deficiency of the enzyme Alpha Galactosidase-A., loss of function.

Submission:

3billion
Classification: Pathogenic for Fabry disease. Last evaluated: 2021-10-28. Review status: criteria provided, single submitter. Criteria: ACMG Guidelines, 2015. Collection method: clinical testing. Allele origin: germline. Affected: yes. Observed: 1 heterozygote.
Comment: Frameshift: predicted to result in a loss or disruption of normal protein function through nonsense-mediated decay (NMD) or protein truncation. Multiple pathogenic variants are reported downstream of the variant. It is not observed in the gnomAD v2.1.1 dataset. Therefore, this variant is classified as pathogenic according to the recommendation of ACMG/AMP guideline.